The following is an entry in ClinVar:

NM_022725.4(FANCF):c.326dup (p.Tyr109Ter)

Gene: FANCF (FA complementation group F; minus strand). Cytogenetic location: 11p14.3.
Variant type: Duplication.
Coding change: c.326dup on transcript NM_022725.4 (MANE Select); coding-DNA position 326, one base duplicated (A; older notation c.326dupA).
Protein change: p.Tyr109Ter; replaces tyrosine 109 with a stop codon.
Molecular consequence: nonsense.
Genome position (GRCh38, 1-based): chr11:22,625,485, T duplicated on the plus strand (A on the coding strand, the reverse complement: FANCF is on the minus strand). VCF-style (leftmost placement, unchanged base first): chr11-22625484-G-GT. GRCh37 (hg19) VCF-style: chr11-22647030-G-GT.
Other names: short protein forms Y109*.
Identifiers: ClinVar variation 1432834 (VCV001432834.8), dbSNP rs2133798073, ClinGen allele CA2573146268.
Genomic context (GRCh38, chr11:22,625,484, plus strand): 5'-GAGTGTCTCCTCATCGGCGTCCCGGACGCCCGGGCCGGGAAAGAGTTGCTGCACCAGGTG[G>GT]TAACGAGCTGCATCCCCGAGGGCCCGGTTCTCCAGCAGGCGCAGAGAGAGCAGGACGTCA-3'

ClinVar aggregate classification (germline): Pathogenic (1 of 4 stars; one submission).

Conditions:
Fanconi anemia (FA). Also called: Fanconi's anemia. Identifiers: Orphanet 84, MedGen C0015625, MeSH D005199, MONDO:0019391.

Submission:

Labcorp Genetics (formerly Invitae), Labcorp
Classification: Pathogenic for Fanconi anemia. Last evaluated: 2021-06-02. Review status: criteria provided, single submitter. Criteria: Invitae Variant Classification Sherloc (09022015). Collection method: clinical testing. Allele origin: germline.
Comment: This sequence change creates a premature translational stop signal (p.Tyr109*) in the FANCF gene. While this is not anticipated to result in nonsense mediated decay, it is expected to disrupt the last 266 amino acid(s) of the FANCF protein. For these reasons, this variant has been classified as Pathogenic. This variant disrupts the C-terminus of the FANCF protein. Other variant(s) that disrupt this region (p.Leu162Aspfs*103) have been determined to be pathogenic (PMID: 26033879, 28102861, 27714961, 10615118). This suggests that variants that disrupt this region of the protein are likely to be causative of disease. This variant has not been reported in the literature in individuals with FANCF-related conditions. This variant is not present in population databases (ExAC no frequency).

Literature cited by the submitters: PubMed 26033879; PubMed 28102861; PubMed 27714961; PubMed 10615118.